The following is an entry in ClinVar:

NM_017433.5(MYO3A):c.1415C>A (p.Ala472Asp)

Gene: MYO3A (myosin IIIA; plus strand). Cytogenetic location: 10p12.1.
Variant type: single nucleotide variant.
Coding change: c.1415C>A on transcript NM_017433.5 (MANE Select); coding-DNA position 1415, C replaced by A.
Protein change: p.Ala472Asp; replaces alanine 472 with aspartic acid.
Molecular consequence: missense variant.
Genome position (GRCh38, 1-based): chr10:26,088,258, C>A. VCF-style: chr10-26088258-C-A. GRCh37 (hg19) VCF-style: chr10-26377187-C-A.
Other names: c.1415C>A (NM_017433.4); short protein forms A472D.
Identifiers: ClinVar variation 1950491 (VCV001950491.6), dbSNP rs752583448, ClinGen allele CA376335850.

ClinVar aggregate classification (germline): Uncertain significance. Review status: criteria provided, multiple submitters, no conflicts (2 of 4 stars). 2 submissions from 2 submitters: Uncertain significance (2). Last evaluated 2026-07-23.

Conditions:
MYO3A-related disorder. Also called: MYO3A-related condition.

gnomAD v4.1: 4 of 1,613,362 alleles (0.00025%); highest among the groups gnomAD compares: Admixed American, 0.005%; no homozygotes.

Submissions (2):

PreventionGenetics, part of Exact Sciences
Classification: Uncertain significance for MYO3A-related condition. Last evaluated: 2026-07-23. Review status: criteria provided, single submitter. Criteria: ACMG Guidelines, 2015. Collection method: clinical testing. Allele origin: germline.
Comment: The MYO3A c.1415C>A variant is predicted to result in the amino acid substitution p.Ala472Asp. To our knowledge, this variant has not been reported in the literature. This variant is reported in 0.0058% of alleles in individuals of Latino descent in gnomAD. At this time, the clinical significance of this variant is uncertain due to the absence of conclusive functional and genetic evidence.

Labcorp Genetics (formerly Invitae), Labcorp
Classification: Uncertain significance. Last evaluated: 2022-09-15. Review status: criteria provided, single submitter. Criteria: Invitae Variant Classification Sherloc (09022015). Collection method: clinical testing. Allele origin: germline.
Comment: Advanced modeling of protein sequence and biophysical properties (such as structural, functional, and spatial information, amino acid conservation, physicochemical variation, residue mobility, and thermodynamic stability) performed at Invitae indicates that this missense variant is expected to disrupt MYO3A protein function. This sequence change replaces alanine, which is neutral and non-polar, with aspartic acid, which is acidic and polar, at codon 472 of the MYO3A protein (p.Ala472Asp). This variant is present in population databases (no rsID available, gnomAD 0.006%). This variant has not been reported in the literature in individuals affected with MYO3A-related conditions. In summary, the available evidence is currently insufficient to determine the role of this variant in disease. Therefore, it has been classified as a Variant of Uncertain Significance.